The following is an entry in ClinVar:

ClinVar aggregate classification (germline): Uncertain significance (1 of 4 stars; one submission).

Conditions:
MHC class I deficiency. Identifiers: Orphanet 34592, MedGen C6024714, MONDO:0011476.

Submission:

Labcorp Genetics (formerly Invitae), Labcorp
Classification: Uncertain significance for MHC class I deficiency 1. Last evaluated: 2024-03-01. Review status: criteria provided, single submitter. Criteria: Invitae Variant Classification Sherloc (09022015). Collection method: clinical testing. Allele origin: germline.
Comment: This sequence change affects the initiator methionine of the TAPBP mRNA. The next in-frame methionine is located at codon 93. This variant is not present in population databases (gnomAD no frequency). This variant has not been reported in the literature in individuals affected with TAPBP-related conditions. In summary, the available evidence is currently insufficient to determine the role of this variant in disease. Therefore, it has been classified as a Variant of Uncertain Significance.

NM_003190.5(TAPBP):c.3G>T (p.Met1Ile)

Gene: TAPBP (TAP binding protein; minus strand). Cytogenetic location: 6p21.32.
Variant type: single nucleotide variant.
Coding change: c.3G>T on transcript NM_003190.5 (MANE Select); coding-DNA position 3, G replaced by T.
Protein change: p.Met1Ile; changes the start codon (methionine 1).
Molecular consequence: missense variant, initiator codon variant.
Genome position (GRCh38, 1-based): chr6:33,314,039, C>A on the plus strand (G>T on the coding strand, the complement: TAPBP is on the minus strand). VCF-style: chr6-33314039-C-A. GRCh37 (hg19) VCF-style: chr6-33281816-C-A.
Other names: c.3G>T, p.Met1Ile (NM_001410875.1, NM_172208.3, NM_172209.3); short protein forms M1I.
Identifiers: ClinVar variation 3015628 (VCV003015628.3), dbSNP rs1562703181, ClinGen allele CA363624122.